The following is an entry in ClinVar:

ClinVar aggregate classification (germline): Uncertain significance (1 of 4 stars; one submission).

gnomAD v4.1: 1 of 1,614,174 alleles (0.000062%); highest among the groups gnomAD compares: Non-Finnish European, 0.000085%; no homozygotes.

Submission:

GeneDx
Classification: Uncertain significance. Last evaluated: 2024-02-04. Review status: criteria provided, single submitter. Criteria: GeneDx Variant Classification Process June 2021. Collection method: clinical testing. Allele origin: germline. Affected: yes.
Comment: Not observed at significant frequency in large population cohorts (gnomAD); In silico analysis supports that this missense variant has a deleterious effect on protein structure/function; Has not been previously published as pathogenic or benign to our knowledge

NM_001112741.2(KCNC1):c.1312A>G (p.Asn438Asp)

Gene: KCNC1 (potassium voltage-gated channel subfamily C member 1; plus strand). Cytogenetic location: 11p15.1.
Variant type: single nucleotide variant.
Coding change: c.1312A>G on transcript NM_001112741.2 (MANE Select); coding-DNA position 1312, A replaced by G.
Protein change: p.Asn438Asp; replaces asparagine 438 with aspartic acid.
Molecular consequence: missense variant.
Genome position (GRCh38, 1-based): chr11:17,772,406, A>G. VCF-style: chr11-17772406-A-G. GRCh37 (hg19) VCF-style: chr11-17793953-A-G.
Other names: c.1312A>G, p.Asn438Asp (NM_004976.4); short protein forms N438D.
Identifiers: ClinVar variation 3368644 (VCV003368644.1).